The following is an entry in ClinVar:

ClinVar aggregate classification (germline): Uncertain significance (1 of 4 stars; one submission).

Conditions:
Nephronophthisis. Also called: Juvenile Nephronophthisis. Identifiers: Orphanet 655, MedGen C0687120, MONDO:0019005, HP:0000090.

Allele frequency attached by ClinVar (database versions not stated): gnomAD exomes below 0.00001.
gnomAD v4.1: 2 of 1,612,666 alleles (0.00012%); highest among the groups gnomAD compares: Middle Eastern, 0.016%; no homozygotes.

Submission:

Labcorp Genetics (formerly Invitae), Labcorp
Classification: Uncertain significance for Nephronophthisis. Last evaluated: 2021-12-13. Review status: criteria provided, single submitter. Criteria: Invitae Variant Classification Sherloc (09022015). Collection method: clinical testing. Allele origin: germline.
Comment: This sequence change replaces serine, which is neutral and polar, with asparagine, which is neutral and polar, at codon 607 of the NPHP1 protein (p.Ser607Asn). This variant is not present in population databases (gnomAD no frequency). This variant has not been reported in the literature in individuals affected with NPHP1-related conditions. Algorithms developed to predict the effect of missense changes on protein structure and function are either unavailable or do not agree on the potential impact of this missense change (SIFT: "Tolerated"; PolyPhen-2: "Probably Damaging"; Align-GVGD: "Class C0"). In summary, the available evidence is currently insufficient to determine the role of this variant in disease. Therefore, it has been classified as a Variant of Uncertain Significance.

NM_001128178.3(NPHP1):c.1652G>A (p.Ser551Asn)

Gene: NPHP1 (nephrocystin 1; minus strand). Cytogenetic location: 2q13.
Variant type: single nucleotide variant.
Coding change: c.1652G>A on transcript NM_001128178.3 (MANE Select); coding-DNA position 1652, G replaced by A.
Protein change: p.Ser551Asn; replaces serine 551 with asparagine.
Molecular consequence: missense variant.
Genome position (GRCh38, 1-based): chr2:110,129,250, C>T on the plus strand (G>A on the coding strand, the complement: NPHP1 is on the minus strand). VCF-style: chr2-110129250-C-T. GRCh37 (hg19) VCF-style: chr2-110886827-C-T.
Other names: c.1820G>A, p.Ser607Asn (NM_000272.5); c.1463G>A, p.Ser488Asn (NM_001128179.3); c.1649G>A, p.Ser550Asn (NM_001374256.1); c.1652G>A, p.Ser551Asn (NM_001374257.1); c.1817G>A, p.Ser606Asn (NM_207181.4); short protein forms S550N, S607N, S551N, S606N, S488N.
Identifiers: ClinVar variation 2041293 (VCV002041293.4), dbSNP rs2467155325, ClinGen allele CA348086902.